The following is an entry in ClinVar:

ClinVar aggregate classification (germline): Likely pathogenic (1 of 4 stars; one submission).

Conditions:
Peroxisome biogenesis disorder 4A (Zellweger) (PBD4A). Also called: Zellweger syndrome spectrum (PEX6-related). Identifiers: Orphanet 912, MedGen C3553936, MONDO:0013930, OMIM 614862. Disease mechanism: loss of function.

Submission:

Myriad Genetics, Inc.
Classification: Likely pathogenic for Peroxisome biogenesis disorder 4A (Zellweger). Last evaluated: 2022-03-30. Review status: criteria provided, single submitter. Criteria: Myriad Women's Health Autosomal Recessive and X-Linked Classification Criteria (2021). Collection method: clinical testing. Allele origin: unknown.
Comment: NM_000287.3(PEX6):c.1315delG(E439Rfs*11) is expected to be pathogenic in the context of peroxisome biogenesis disorder type 4. This variant is predicted to lead to an abnormal or absent protein product due to the creation of a premature termination codon in PEX6, a gene where loss-of-function variants are known to be pathogenic. Please note: this variant was assessed in the context of healthy population screening.

NM_000287.4(PEX6):c.1315del (p.Glu439fs)

Gene: PEX6 (peroxisomal biogenesis factor 6; minus strand). Cytogenetic location: 6p21.1.
Variant type: Deletion.
Coding change: c.1315del on transcript NM_000287.4 (MANE Select); coding-DNA position 1315, one base deleted (G; older notation c.1315delG).
Protein change: p.Glu439fs; shifts the reading frame from glutamic acid 439.
Molecular consequence: frameshift variant. On other transcripts: non-coding transcript variant (1).
Genome position (GRCh38, 1-based): chr6:42,969,720, C deleted on the plus strand (G on the coding strand, the reverse complement: PEX6 is on the minus strand); the first of 2 consecutive C bases (chr6:42,969,720-42,969,721); deleting either gives the same sequence. VCF-style (leftmost placement, unchanged base first): chr6-42969719-TC-T. GRCh37 (hg19) VCF-style: chr6-42937457-TC-T.
Other names: c.1051del, p.Glu351fs (NM_001316313.2); short protein forms E351fs, E439fs.
Identifiers: ClinVar variation 1725571 (VCV001725571.2), dbSNP rs2481233656, ClinGen allele CA2580074568.